The following is an entry in ClinVar:

ClinVar aggregate classification (germline): Uncertain significance (1 of 4 stars; one submission).

Conditions:
Inborn genetic diseases. Identifiers: MedGen C0950123, MeSH D030342.

Submission:

Ambry Genetics
Classification: Uncertain significance for Inborn genetic diseases. Last evaluated: 2022-04-14. Review status: criteria provided, single submitter. Criteria: Ambry Variant Classification Scheme 2023. Collection method: clinical testing. Allele origin: germline.
Comment: The c.1397+5G>A intronic alteration consists of a G to A substitution 5 nucleotides after exon 9 of the AFF2 gene. Based on insufficient or conflicting evidence, the clinical significance of this alteration remains unclear.

NM_002025.4(AFF2):c.1397+5G>A

Gene: AFF2 (ALF transcription elongation factor 2; plus strand). Cytogenetic location: Xq28.
Variant type: single nucleotide variant.
Coding change: c.1397+5G>A on transcript NM_002025.4 (MANE Select); 5 bases into the intron after coding-DNA position 1397, G replaced by A.
Molecular consequence: intron variant.
Genome position (GRCh38, 1-based): chrX:148,904,263, G>A. VCF-style: chrX-148904263-G-A. GRCh37 (hg19) VCF-style: chrX-147985793-G-A.
Other names: c.1292+5G>A (NM_001169124.2); c.1367+5G>A (NM_001169123.2); c.1298+5G>A (NM_001169122.2); c.1280+5G>A (NM_001169125.2); c.320+5G>A (NM_001170628.1).
Identifiers: ClinVar variation 2284330 (VCV002284330.2), dbSNP rs2521705079, ClinGen allele CA2580101604.